The following is an entry in ClinVar:

ClinVar aggregate classification (germline): Pathogenic/Likely pathogenic. Review status: criteria provided, multiple submitters, no conflicts (2 of 4 stars). 8 submissions from 8 submitters: Pathogenic (4); Likely pathogenic (4). Last evaluated 2026-05-11.

Conditions:
Niemann-Pick disease, type B. Also called: Chronic Visceral ASMD (Niemann-Pick Disease Type B; NPD-B). Identifiers: Orphanet 77293, MedGen C0268243, MONDO:0011871, OMIM 607616. Disease mechanism: loss of function.
Niemann-Pick disease, type A. Also called: Infantile Neurovisceral ASMD (Niemann-Pick Disease Type A; NPD-A); SPHINGOMYELIN LIPIDOSIS; SPHINGOMYELINASE DEFICIENCY. Identifiers: Orphanet 77292, MedGen C0268242, MONDO:0009756, OMIM 257200. Disease mechanism: loss of function.
SMPD1-related disorder. Also called: SMPD1-related condition.
Sphingomyelin/cholesterol lipidosis. Also called: Niemann-Pick disease. Identifiers: MedGen C0028064, MONDO:0001982.

Allele frequency attached by ClinVar (database versions not stated): ExAC 0.00002; gnomAD 0.00002 and 0.00003; TOPMed 0.00002; 1000 Genomes Project 30x 0.00016; 1000 Genomes Project 0.00020.
gnomAD v4.1: 51 of 1,614,082 alleles (0.0032%); highest among the groups gnomAD compares: Non-Finnish European, 0.0042%; no homozygotes.

Submissions (8):

PreventionGenetics, part of Exact Sciences
Classification: Likely pathogenic for SMPD1-related condition. Last evaluated: 2026-05-11. Review status: criteria provided, single submitter. Criteria: ACMG Guidelines, 2015. Collection method: clinical testing. Allele origin: germline.
Comment: The SMPD1 c.1054G>T variant is predicted to result in premature protein termination (p.Glu352*). To our knowledge, this variant has not been reported in the literature. This variant is reported in 0.0035% of alleles in individuals of European (Non-Finnish) descent in gnomAD. Nonsense variants in SMPD1 are expected to be pathogenic. This variant is interpreted as likely pathogenic.

Labcorp Genetics (formerly Invitae), Labcorp
Classification: Pathogenic for Niemann-Pick disease, type B; Niemann-Pick disease, type A. Last evaluated: 2026-01-05. Review status: criteria provided, single submitter. Criteria: Invitae Variant Classification Sherloc (09022015). Collection method: clinical testing. Allele origin: germline.
Comment: This sequence change creates a premature translational stop signal (p.Glu352*) in the SMPD1 gene. It is expected to result in an absent or disrupted protein product. Loss-of-function variants in SMPD1 are known to be pathogenic (PMID: 12369017, 15221801). This variant is present in population databases (rs201550531, gnomAD 0.003%). This variant has not been reported in the literature in individuals affected with SMPD1-related conditions. ClinVar contains an entry for this variant (Variation ID: 650777). Algorithms developed to predict the effect of sequence changes on RNA splicing suggest that this variant may disrupt the consensus splice site. For these reasons, this variant has been classified as Pathogenic.

Natera, Inc.
Classification: Likely pathogenic for Niemann-Pick Disease, Types A/B. Last evaluated: 2025-04-20. Review status: criteria provided, single submitter. Criteria: Natera Variant Classification Schema (03/2026). Collection method: clinical testing. Allele origin: germline.
Comment: The c.1054G>T variant in SMPD1 is a nonsense variant predicted to introduce a stop codon at amino acid 352. This variant is expected to result in nonsense mediated decay, truncation, or a dysfunctional protein product. This variant is rare in the general population with a frequency below the threshold expected for the associated phenotype(s). Given the available evidence, this variant is classified as Likely Pathogenic.

GeneDx
Classification: Pathogenic. Last evaluated: 2025-02-22. Review status: criteria provided, single submitter. Criteria: GeneDx Variant Classification Process June 2021. Collection method: clinical testing. Allele origin: germline. Affected: yes.
Comment: Observed with a pathogenic variant on the opposite allele (in trans) in multiple patients with clinical features consistent with SMPD1-related acid sphingomyelinase deficiency referred for genetic testing at GeneDx; Nonsense variant predicted to result in protein truncation or nonsense mediated decay in a gene for which loss of function is a known mechanism of disease; Not observed at significant frequency in large population cohorts (gnomAD); Has not been previously published as pathogenic or benign to our knowledge

Fulgent Genetics
Classification: Likely pathogenic for Niemann-Pick disease, type A; Niemann-Pick disease, type B. Last evaluated: 2024-06-07. Review status: criteria provided, single submitter. Criteria: ACMG Guidelines, 2015. Collection method: clinical testing. Allele origin: germline.

Baylor Genetics
Classification: Pathogenic for Niemann-Pick disease, type A. Last evaluated: 2024-01-15. Review status: criteria provided, single submitter. Criteria: ACMG Guidelines, 2015. Collection method: clinical testing. Allele origin: unknown.

Women's Health and Genetics/Laboratory Corporation of America, LabCorp
Classification: Likely pathogenic for Sphingomyelin/cholesterol lipidosis. Last evaluated: 2023-02-07. Review status: criteria provided, single submitter. Criteria: LabCorp Variant Classification Summary - May 2015. Collection method: clinical testing. Allele origin: germline.
Comment: Variant summary: SMPD1 c.1054G>T (p.Glu352X) results in a premature termination codon, predicted to cause a truncation of the encoded protein or absence of the protein due to nonsense mediated decay, which are commonly known mechanisms for disease. Truncations downstream of this position have been classified as pathogenic by our laboratory. The variant allele was found at a frequency of 1.6e-05 in 251074 control chromosomes. c.1054G>T has been reported in the literature in one individual who may have atherosclerosis (Johnston_2015). These data indicate that the variant is likely to be associated with disease. To our knowledge, no experimental evidence demonstrating an impact on protein function has been reported. Three clinical diagnostic laboratories have submitted clinical-significance assessments for this variant to ClinVar after 2014 without evidence for independent evaluation. All laboratories classified the variant as pathogenic. Based on the evidence outlined above, the variant was classified as likely pathogenic.

Revvity Omics, Revvity
Classification: Pathogenic. Last evaluated: 2020-12-03. Review status: criteria provided, single submitter. Criteria: ACMG Guidelines, 2015. Collection method: clinical testing. Allele origin: germline.

Literature cited by the submitters: PubMed 12369017 (cited by Labcorp Genetics (formerly Invitae), Labcorp); PubMed 15221801 (cited by Labcorp Genetics (formerly Invitae), Labcorp); PubMed 26046366 (cited by Women's Health and Genetics/Laboratory Corporation of America, LabCorp).

NM_000543.5(SMPD1):c.1054G>T (p.Glu352Ter)

Gene: SMPD1 (sphingomyelin phosphodiesterase 1; plus strand). Cytogenetic location: 11p15.4.
Variant type: single nucleotide variant.
Coding change: c.1054G>T on transcript NM_000543.5 (MANE Select); coding-DNA position 1054, G replaced by T.
Protein change: p.Glu352Ter; replaces glutamic acid 352 with a stop codon.
Molecular consequence: nonsense. On other transcripts: synonymous variant (1), non-coding transcript variant (1).
Genome position (GRCh38, 1-based): chr11:6,392,119, G>T. VCF-style: chr11-6392119-G-T. GRCh37 (hg19) VCF-style: chr11-6413349-G-T.
Other names: c.1051G>T, p.Glu351Ter (NM_001007593.3); c.1054G>T, p.Glu352Ter (NM_001318087.2, NM_001365135.2); c.93G>T, p.Gly31= (NM_001318088.2); short protein forms E351*, E352*.
Identifiers: ClinVar variation 650777 (VCV000650777.21), dbSNP rs201550531, ClinGen allele CA5852741.